The following is an entry in ClinVar:

NM_001394062.1(MACF1):c.1957C>T (p.Leu653Phe)

Gene: MACF1 (microtubule actin crosslinking factor 1; plus strand). Cytogenetic location: 1p34.3.
Variant type: single nucleotide variant.
Coding change: c.1957C>T on transcript NM_001394062.1 (MANE Select); coding-DNA position 1957, C replaced by T.
Protein change: p.Leu653Phe; replaces leucine 653 with phenylalanine.
Molecular consequence: missense variant.
Genome position (GRCh38, 1-based): chr1:39,292,808, C>T. VCF-style: chr1-39292808-C-T. GRCh37 (hg19) VCF-style: chr1-39758480-C-T.
Other names: c.1972C>T, p.Leu658Phe (NM_012090.5); short protein forms L653F, L658F.
Identifiers: ClinVar variation 1676542 (VCV001676542.3), dbSNP rs2148401189, ClinGen allele CA339765922.
Genomic context (GRCh38, chr1:39,292,808, plus strand): 5'-TCATTCTTTTTTAATCAGGGAAAGATGTCCCAGAATTTCCATACCAGCTATGCTGAAACT[C>T]TTGGAAAGCTGGAGACACAGTATTGTAAATTGAAGGTGAGTTTCTGCCGATTCTCTTACA-3'
Protein context (NP_001380991.1, residues 643-663): QNFHTSYAET[Leu653Phe]GKLETQYCKL

ClinVar aggregate classification (germline): Likely pathogenic (1 of 4 stars; one submission).

Conditions:
Lissencephaly 9 with complex brainstem malformation. Identifiers: Orphanet 572013, MedGen C5193029, MONDO:0032677, OMIM 618325.

Submission:

Greenwood Genetic Center Diagnostic Laboratories, Greenwood Genetic Center
Classification: Likely pathogenic for Lissencephaly 9 with complex brainstem malformation. Last evaluated: 2022-01-21. Review status: criteria provided, single submitter. Criteria: ACMG Guidelines, 2015. Collection method: clinical testing. Allele origin: germline. Affected: yes.
Comment: PS2, PM2